The following is an entry in ClinVar:

NM_002887.4(RARS1):c.449G>A (p.Cys150Tyr)

Gene: RARS1 (arginyl-tRNA synthetase 1; plus strand). Cytogenetic location: 5q34.
Variant type: single nucleotide variant.
Coding change: c.449G>A on transcript NM_002887.4 (MANE Select); coding-DNA position 449, G replaced by A.
Protein change: p.Cys150Tyr; replaces cysteine 150 with tyrosine.
Molecular consequence: missense variant.
Genome position (GRCh38, 1-based): chr5:168,493,973, G>A. VCF-style: chr5-168493973-G-A. GRCh37 (hg19) VCF-style: chr5-167920978-G-A.
Other names: short protein forms C150Y.
Identifiers: ClinVar variation 1680411 (VCV001680411.6), dbSNP rs144219882, ClinGen allele CA131934158.

ClinVar aggregate classification (germline): Uncertain significance (1 of 4 stars; one submission).

Allele frequency attached by ClinVar (database versions not stated): gnomAD exomes below 0.00001 and 0.00001; gnomAD 0.00001; TOPMed 0.00002; ESP Exome Variant Server 0.00008.

Submission:

Labcorp Genetics (formerly Invitae), Labcorp
Classification: Uncertain significance. Last evaluated: 2023-02-10. Review status: criteria provided, single submitter. Criteria: Invitae Variant Classification Sherloc (09022015). Collection method: clinical testing. Allele origin: germline.
Comment: In summary, the available evidence is currently insufficient to determine the role of this variant in disease. Therefore, it has been classified as a Variant of Uncertain Significance. Advanced modeling of protein sequence and biophysical properties (such as structural, functional, and spatial information, amino acid conservation, physicochemical variation, residue mobility, and thermodynamic stability) performed at Invitae indicates that this missense variant is not expected to disrupt RARS protein function. ClinVar contains an entry for this variant (Variation ID: 1680411). This variant has not been reported in the literature in individuals affected with RARS-related conditions. This variant is present in population databases (rs144219882, gnomAD 0.007%). This sequence change replaces cysteine, which is neutral and slightly polar, with tyrosine, which is neutral and polar, at codon 150 of the RARS protein (p.Cys150Tyr).